The following is an entry in ClinVar:

ClinVar aggregate classification (germline): Uncertain significance (1 of 4 stars; one submission).

Conditions:
Inborn genetic diseases. Identifiers: MedGen C0950123, MeSH D030342.

Submission:

Ambry Genetics
Classification: Uncertain significance for Inborn genetic diseases. Last evaluated: 2025-02-08. Review status: criteria provided, single submitter. Criteria: Ambry Variant Classification Scheme 2023. Collection method: clinical testing. Allele origin: germline.
Comment: The p.L178H variant (also known as c.533T>A), located in coding exon 1 of the CEBPA gene, results from a T to A substitution at nucleotide position 533. The leucine at codon 178 is replaced by histidine, an amino acid with similar properties. This amino acid position is conserved. In addition, this alteration is predicted to be tolerated by in silico analysis. Based on the available evidence, the clinical significance of this variant remains unclear.

NM_004364.5(CEBPA):c.533T>A (p.Leu178His)

Gene: CEBPA (CCAAT enhancer binding protein alpha; minus strand). Cytogenetic location: 19q13.11.
Variant type: single nucleotide variant.
Coding change: c.533T>A on transcript NM_004364.5 (MANE Select); coding-DNA position 533, T replaced by A.
Protein change: p.Leu178His; replaces leucine 178 with histidine.
Molecular consequence: missense variant.
Genome position (GRCh38, 1-based): chr19:33,301,882, A>T on the plus strand (T>A on the coding strand, the complement: CEBPA is on the minus strand). VCF-style: chr19-33301882-A-T. GRCh37 (hg19) VCF-style: chr19-33792788-A-T.
Other names: c.176T>A, p.Leu59His (NM_001285829.2); c.638T>A, p.Leu213His (NM_001287424.2); c.491T>A, p.Leu164His (NM_001287435.2); short protein forms L59H, L164H, L213H, L178H.
Identifiers: ClinVar variation 3831220 (VCV003831220.1).